The following is an entry in ClinVar:

ClinVar aggregate classification (germline): Pathogenic (1 of 4 stars; one submission).

Conditions:
Hereditary hyperekplexia. Identifiers: Orphanet 3197, MedGen C4084968, MONDO:0021022.

Allele frequency attached by ClinVar (database versions not stated): TOPMed 0.00001; gnomAD exomes below 0.00001 and 0.00001; ExAC 0.00001; gnomAD 0.00001.

Submission:

Labcorp Genetics (formerly Invitae), Labcorp
Classification: Pathogenic for Hereditary hyperekplexia. Last evaluated: 2024-12-16. Review status: criteria provided, single submitter. Criteria: Invitae Variant Classification Sherloc (09022015). Collection method: clinical testing. Allele origin: germline.
Comment: This sequence change replaces aspartic acid, which is acidic and polar, with asparagine, which is neutral and polar, at codon 98 of the GLRA1 protein (p.Asp98Asn). This variant is present in population databases (rs760390019, gnomAD 0.003%). This missense change has been observed in individual(s) with autosomal recessive hyperekplexia (PMID: 25568133, 32332682). In at least one individual the data is consistent with being in trans (on the opposite chromosome) from a pathogenic variant. This variant is also known as D70N. ClinVar contains an entry for this variant (Variation ID: 464186). Invitae Evidence Modeling of protein sequence and biophysical properties (such as structural, functional, and spatial information, amino acid conservation, physicochemical variation, residue mobility, and thermodynamic stability) indicates that this missense variant is expected to disrupt GLRA1 protein function with a positive predictive value of 80%. Experimental studies have shown that this missense change affects GLRA1 function (PMID: 25568133). This variant disrupts the p.Asp98 amino acid residue in GLRA1. Other variant(s) that disrupt this residue have been determined to be pathogenic (PMID: 30866851). This suggests that this residue is clinically significant, and that variants that disrupt this residue are likely to be disease-causing. For these reasons, this variant has been classified as Pathogenic.

Literature cited by the submitters: PubMed 25568133; PubMed 32332682; PubMed 30866851.

NM_000171.4(GLRA1):c.292G>A (p.Asp98Asn)

Gene: GLRA1 (glycine receptor alpha 1; minus strand). Cytogenetic location: 5q33.1.
Variant type: single nucleotide variant.
Coding change: c.292G>A on transcript NM_000171.4 (MANE Select); coding-DNA position 292, G replaced by A.
Protein change: p.Asp98Asn; replaces aspartic acid 98 with asparagine.
Molecular consequence: missense variant.
Genome position (GRCh38, 1-based): chr5:151,859,969, C>T on the plus strand (G>A on the coding strand, the complement: GLRA1 is on the minus strand). VCF-style: chr5-151859969-C-T. GRCh37 (hg19) VCF-style: chr5-151239530-C-T.
Other names: c.292G>A, p.Asp98Asn (NM_001146040.2); c.43G>A, p.Asp15Asn (NM_001292000.2); short protein forms D98N, D15N.
Identifiers: ClinVar variation 464186 (VCV000464186.10), dbSNP rs760390019, ClinGen allele CA3523719.